The following is an entry in ClinVar:

ClinVar aggregate classification (germline): Benign (1 of 4 stars; one submission).

Conditions:
Pheochromocytoma/paraganglioma syndrome 3. Also called: GLOMUS TUMORS, FAMILIAL, 3; Paragangliomas 3; SDHC-Related Hereditary Paraganglioma-Pheochromocytoma Syndrome (Paragangliomas 3); SDHC-Related Hereditary Paraganglioma-Pheochromocytoma Syndrome. Identifiers: Orphanet 29072, MedGen C1854336, MONDO:0011544, OMIM 605373.

Submission:

Myriad Genetics, Inc.
Classification: Benign for Pheochromocytoma/paraganglioma syndrome 3. Last evaluated: 2025-03-14. Review status: criteria provided, single submitter. Criteria: Myriad Autosomal Dominant, Autosomal Recessive and X-Linked Classification Criteria (2023). Collection method: clinical testing. Allele origin: unknown.
Comment: This variant is considered benign. This variant is a silent/synonymous amino acid change and it is not expected to impact splicing.

NM_003001.5(SDHC):c.51C>T (p.His17=)

Gene: SDHC (succinate dehydrogenase complex subunit C; plus strand). Cytogenetic location: 1q23.3.
Variant type: single nucleotide variant.
Coding change: c.51C>T on transcript NM_003001.5 (MANE Select); coding-DNA position 51, C replaced by T.
Protein change: p.His17=; no amino-acid change (histidine 17 retained).
Molecular consequence: synonymous variant. On other transcripts: non-coding transcript variant (1), intron variant (4), 5 prime UTR variant (2).
Genome position (GRCh38, 1-based): chr1:161,323,644, C>T. VCF-style: chr1-161323644-C-T. GRCh37 (hg19) VCF-style: chr1-161293434-C-T.
Other names: c.21-4752C>T (NM_001407116.1, NM_001407121.1, NM_001407117.1); c.20+9219C>T (NM_001035513.3); c.51C>T, p.His17= (NM_001035511.3, NM_001035512.3, NM_001278172.3 and 2 more transcripts); c.-61C>T (NM_001407119.1); c.-179C>T (NM_001407120.1).
Identifiers: ClinVar variation 3904633 (VCV003904633.1).